The following is an entry in ClinVar:

ClinVar aggregate classification (germline): Likely benign. Review status: criteria provided, single submitter (1 of 4 stars). 2 submissions from 2 submitters: Likely benign (1). 1 of the submissions does not count toward it. Last evaluated 2026-01-26.

Conditions:
Muscular dystrophy-dystroglycanopathy (congenital with impaired intellectual development), type B, 2. Also called: Muscular dystrophy-dystroglycanopathy (congenital with intellectual disability), type B2; MUSCULAR DYSTROPHY, CONGENITAL, POMT2-RELATED. Identifiers: MedGen C3150416, MONDO:0013160, OMIM 613156.
Autosomal recessive limb-girdle muscular dystrophy type 2N. Also called: MUSCULAR DYSTROPHY-DYSTROGLYCANOPATHY, LIMB-GIRDLE, POMT2-RELATED; Muscular dystrophy-dystroglycanopathy (limb-girdle), type C, 2. Identifiers: Orphanet 206559, MedGen C3150418, MONDO:0013162, OMIM 613158.
Muscular dystrophy-dystroglycanopathy (congenital with brain and eye anomalies), type A2. Also called: MUSCULAR DYSTROPHY-DYSTROGLYCANOPATHY (CONGENITAL WITH BRAIN AND EYE ANOMALIES), TYPE A, 2; WALKER-WARBURG SYNDROME OR MUSCLE-EYE-BRAIN DISEASE, POMT2-RELATED. Identifiers: Orphanet 588, Orphanet 899, MedGen C3150411, MONDO:0013154, OMIM 613150.
POMT2-related disorder. Also called: POMT2-related condition.

Allele frequency attached by ClinVar (database versions not stated): ExAC 0.00003; gnomAD 0.00011 and 0.00009; gnomAD exomes 0.00001 and 0.00003; TOPMed 0.00014.
gnomAD v4.1: 29 of 1,610,040 alleles (0.0018%); highest among the groups gnomAD compares: African/African-American, 0.032%; no homozygotes.

Submissions (2):

Labcorp Genetics (formerly Invitae), Labcorp
Classification: Likely benign for Muscular dystrophy-dystroglycanopathy (congenital with impaired intellectual development), type B, 2; Muscular dystrophy-dystroglycanopathy (congenital with brain and eye anomalies), type A2; Autosomal recessive limb-girdle muscular dystrophy type 2N. Last evaluated: 2026-01-26. Review status: criteria provided, single submitter. Criteria: Invitae Variant Classification Sherloc (09022015). Collection method: clinical testing. Allele origin: germline.

PreventionGenetics, part of Exact Sciences
Classification: Likely benign for POMT2-related condition. Last evaluated: 2021-08-09. Review status: no assertion criteria provided. Collection method: clinical testing. Allele origin: germline. Not counted in ClinVar's aggregate classification.
Comment: This variant is classified as likely benign based on ACMG/AMP sequence variant interpretation guidelines (Richards et al. 2015 PMID: 25741868, with internal and published modifications).

NM_013382.7(POMT2):c.1333-13G>C

Gene: POMT2 (protein O-mannosyltransferase 2; minus strand). Cytogenetic location: 14q24.3.
Variant type: single nucleotide variant.
Coding change: c.1333-13G>C on transcript NM_013382.7 (MANE Select); 13 bases into the intron before coding-DNA position 1333, G replaced by C.
Molecular consequence: intron variant.
Genome position (GRCh38, 1-based): chr14:77,285,645, C>G on the plus strand (G>C on the coding strand, the complement: POMT2 is on the minus strand). VCF-style: chr14-77285645-C-G. GRCh37 (hg19) VCF-style: chr14-77751988-C-G.
Other names: c.1333-13G>C (NM_013382.5).
Identifiers: ClinVar variation 1536189 (VCV001536189.10), dbSNP rs755487607, ClinGen allele CA7285874.